The following is an entry in ClinVar:

ClinVar aggregate classification (germline): Uncertain significance (1 of 4 stars; one submission).

Allele frequency attached by ClinVar (database versions not stated): gnomAD exomes below 0.00001; ExAC 0.00001.
gnomAD v4.1: 4 of 1,613,742 alleles (0.00025%); highest among the groups gnomAD compares: South Asian, 0.0011%; no homozygotes.

Submission:

Labcorp Genetics (formerly Invitae), Labcorp
Classification: Uncertain significance. Last evaluated: 2022-01-26. Review status: criteria provided, single submitter. Criteria: Invitae Variant Classification Sherloc (09022015). Collection method: clinical testing. Allele origin: germline.
Comment: This sequence change replaces valine, which is neutral and non-polar, with alanine, which is neutral and non-polar, at codon 165 of the ASAH1 protein (p.Val165Ala). This variant is present in population databases (rs760797756, gnomAD 0.0009%). This variant has not been reported in the literature in individuals affected with ASAH1-related conditions. Algorithms developed to predict the effect of missense changes on protein structure and function (SIFT, PolyPhen-2, Align-GVGD) all suggest that this variant is likely to be tolerated. In summary, the available evidence is currently insufficient to determine the role of this variant in disease. Therefore, it has been classified as a Variant of Uncertain Significance.

NM_177924.5(ASAH1):c.494T>C (p.Val165Ala)

Gene: ASAH1 (N-acylsphingosine amidohydrolase 1; minus strand). Cytogenetic location: 8p22.
Variant type: single nucleotide variant.
Coding change: c.494T>C on transcript NM_177924.5 (MANE Select); coding-DNA position 494, T replaced by C.
Protein change: p.Val165Ala; replaces valine 165 with alanine.
Molecular consequence: missense variant.
Genome position (GRCh38, 1-based): chr8:18,063,194, A>G on the plus strand (T>C on the coding strand, the complement: ASAH1 is on the minus strand). VCF-style: chr8-18063194-A-G. GRCh37 (hg19) VCF-style: chr8-17920703-A-G.
Other names: c.476T>C, p.Val159Ala (NM_001127505.3); c.299T>C, p.Val100Ala (NM_001363743.2); c.542T>C, p.Val181Ala (NM_004315.6); short protein forms V100A, V159A, V165A, V181A.
Identifiers: ClinVar variation 1470009 (VCV001470009.5), dbSNP rs760797756, ClinGen allele CA4650810.
Genomic context (GRCh38, chr8:18,063,194, plus strand): 5'-CTGGGATTACAGGCGTGAACCACCATGCCTGACCCTTTGTTCTTTACTTACCCAAGAAAT[A>G]CTCCAAAATCCATGTTTCTCCCATGTATTAGATGACCTATTTGAAGGTAGACAGAAGAGA-3'
Protein context (NP_808592.2, residues 155-175): LIHGRNMDFG[Val165Ala]FLGWNINNDT